The following is an entry in ClinVar:

ClinVar aggregate classification (germline): Uncertain significance (1 of 4 stars; one submission).

Conditions:
Bifunctional peroxisomal enzyme deficiency (DBIF). Also called: D-bifunctional protein deficiency; DBP DEFICIENCY; PBFE DEFICIENCY. Identifiers: Orphanet 300, MedGen C0342870, MONDO:0009855, OMIM 261515. Disease mechanism: loss of function.

Submission:

Neuberg Centre For Genomic Medicine, NCGM
Classification: Uncertain significance for Bifunctional peroxisomal enzyme deficiency. Last evaluated: 2023-05-20. Review status: criteria provided, single submitter. Criteria: ACMG Guidelines, 2015. Collection method: clinical testing. Allele origin: germline. Inheritance: Autosomal recessive inheritance. Affected: yes.
Comment: The observed missense variant c.1219G>A(p.Gly407Arg) in HSD17B4 gene has not been reported previously as a pathogenic variant nor as a benign variant, to our knowledge. The c.1219G>A variant is absent in gnomAD Exomes. The amino acid Glycine at position 407 is changed to a Arginine changing protein sequence and it might alter its composition and physico-chemical properties. Multiple lines of computational evidence (Polyphen-probably damaging, SIFT-damaging and Mutation Taster-disease causing) predict a damaging effect on protein structure and function for this variant. The reference amino acid p.Gly407Arg in HSD17B4 is predicted as conserved by GERP++ and PhyloP across 100 vertebrates. For these reasons, this variant has been classified as Uncertain Significance.

NM_000414.4(HSD17B4):c.1219G>A (p.Gly407Arg)

Gene: HSD17B4 (hydroxysteroid 17-beta dehydrogenase 4; plus strand). Cytogenetic location: 5q23.1.
Variant type: single nucleotide variant.
Coding change: c.1219G>A on transcript NM_000414.4 (MANE Select); coding-DNA position 1219, G replaced by A.
Protein change: p.Gly407Arg; replaces glycine 407 with arginine.
Molecular consequence: missense variant. On other transcripts: non-coding transcript variant (2).
Genome position (GRCh38, 1-based): chr5:119,502,050, G>A. VCF-style: chr5-119502050-G-A. GRCh37 (hg19) VCF-style: chr5-118837745-G-A.
Other names: c.1294G>A, p.Gly432Arg (NM_001199291.3); c.1165G>A, p.Gly389Arg (NM_001199292.2); c.1147G>A, p.Gly383Arg (NM_001292027.2); c.799G>A, p.Gly267Arg (NM_001292028.2); c.1210G>A, p.Gly404Arg (NM_001374497.1); c.1219G>A, p.Gly407Arg (NM_001374498.1); c.892G>A, p.Gly298Arg (NM_001374499.1); c.778G>A, p.Gly260Arg (NM_001374500.1); and 1 more; short protein forms G260R, G267R, G270R, G298R, G383R, G389R, G404R, G407R.
Identifiers: ClinVar variation 3362356 (VCV003362356.3).